The following is an entry in ClinVar:

ClinVar aggregate classification (germline): Uncertain significance (1 of 4 stars; one submission).

Submission:

GeneDx
Classification: Uncertain significance. Last evaluated: 2025-04-04. Review status: criteria provided, single submitter. Criteria: GeneDx Variant Classification Process June 2021. Collection method: clinical testing. Allele origin: germline. Affected: yes.
Comment: Not observed at significant frequency in large population cohorts (gnomAD); In silico analysis indicates that this missense variant does not alter protein structure/function; Has not been previously published as pathogenic or benign to our knowledge

NM_001161352.2(KCNMA1):c.437A>T (p.Asp146Val)

Gene: KCNMA1 (potassium calcium-activated channel subfamily M alpha 1; minus strand). Cytogenetic location: 10q22.3.
Variant type: single nucleotide variant.
Coding change: c.437A>T on transcript NM_001161352.2 (MANE Select); coding-DNA position 437, A replaced by T.
Protein change: p.Asp146Val; replaces aspartic acid 146 with valine.
Molecular consequence: missense variant. On other transcripts: intron variant (1).
Genome position (GRCh38, 1-based): chr10:77,403,965, T>A on the plus strand (A>T on the coding strand, the complement: KCNMA1 is on the minus strand). VCF-style: chr10-77403965-T-A. GRCh37 (hg19) VCF-style: chr10-79163723-T-A.
Other names: c.437A>T, p.Asp146Val (NM_001322829.2, NM_001322830.2, NM_001322832.2 and 9 more transcripts); c.569A>T, p.Asp190Val (NM_001437422.1); c.379-152709A>T (NM_001271518.2); short protein forms D146V, D190V.
Identifiers: ClinVar variation 4278537 (VCV004278537.1).